The following is an entry in ClinVar:

ClinVar aggregate classification (germline): Conflicting classifications of pathogenicity. Review status: criteria provided, conflicting classifications (1 of 4 stars). 12 submissions from 12 submitters: Uncertain significance (1); Benign (4); Likely benign (7). Last evaluated 2026-02-03.

Conditions:
Renal cell carcinoma. Identifiers: Orphanet 217071, MedGen C0007134, MeSH D002292, MONDO:0005086, HP:0005584.
Hereditary cancer-predisposing syndrome. Also called: Tumor predisposition; Neoplastic Syndromes, Hereditary; Hereditary neoplastic syndrome; Hereditary Cancer Syndrome. Identifiers: Orphanet 140162, MedGen C0027672, MeSH D009386, MONDO:0015356.
Nonsyndromic genetic hearing loss. Also called: Nonsyndromic hearing loss and deafness; Non-syndromic genetic deafness; Nonsyndromic genetic deafness. Identifiers: Orphanet 87884, MedGen C5680182, MONDO:0019497.
Papillary renal cell carcinoma type 1 (RCCP1). Also called: RENAL CELL CARCINOMA, PAPILLARY, 1, SOMATIC; Renal adenocarcinoma; Renal cell carcinoma 1; Renal cell carcinoma, somatic. Identifiers: Orphanet 47044, MedGen C1336839, OMIM 605074, HP:0011797.

Submissions (12):

Labcorp Genetics (formerly Invitae), Labcorp
Classification: Benign for Renal cell carcinoma. Last evaluated: 2026-02-03. Review status: criteria provided, single submitter. Criteria: Invitae Variant Classification Sherloc (09022015). Collection method: clinical testing. Allele origin: germline.

Quest Diagnostics Nichols Institute San Juan Capistrano
Classification: Benign. Last evaluated: 2025-09-12. Review status: criteria provided, single submitter. Criteria: Quest Diagnostics criteria. Collection method: clinical testing. Allele origin: unknown.

Mayo Clinic Laboratories, Mayo Clinic
Classification: Likely benign. Last evaluated: 2025-08-21. Review status: criteria provided, single submitter. Criteria: ACMG Guidelines, 2015. Collection method: clinical testing. Allele origin: germline. Observed: 2 variant alleles.
Comment: BS1, BP4, BP7

Center for Genomic Medicine, Rigshospitalet, Copenhagen University Hospital
Classification: Likely benign. Last evaluated: 2025-03-04. Review status: criteria provided, single submitter. Criteria: ACMG Guidelines, 2015. Collection method: clinical testing. Allele origin: germline.

Blueprint Genetics
Classification: Likely benign. Last evaluated: 2024-11-25. Review status: criteria provided, single submitter. Criteria: ACMG Guidelines, 2015. Collection method: clinical testing. Allele origin: germline.

Myriad Genetics, Inc.
Classification: Likely benign for Papillary renal cell carcinoma type 1. Last evaluated: 2024-11-12. Review status: criteria provided, single submitter. Criteria: Myriad Autosomal Dominant, Autosomal Recessive and X-Linked Classification Criteria (2023). Collection method: clinical testing. Allele origin: unknown.
Comment: This variant is considered likely benign. This variant is intronic and is not expected to impact mRNA splicing.

Department of Pathology and Laboratory Medicine, Sinai Health System
Classification: Likely benign for nonsyndromic genetic hearing loss. Last evaluated: 2024-08-15. Review status: criteria provided, single submitter. Criteria: ACMG Guidelines, 2015. Collection method: clinical testing. Allele origin: germline. Affected: yes.

Women's Health and Genetics/Laboratory Corporation of America, LabCorp
Classification: Benign. Last evaluated: 2022-11-03. Review status: criteria provided, single submitter. Criteria: LabCorp Variant Classification Summary - May 2015. Collection method: clinical testing. Allele origin: germline.
Comment: Variant summary: MET c.2638-7delC alters a conserved nucleotide located close to a canonical splice site and therefore could affect mRNA splicing, leading to a significantly altered protein sequence. 4/4 computational tools predict no significant impact on normal splicing. However, these predictions have yet to be confirmed by functional studies. The variant allele was found at a frequency of 0.0016 in 239374 control chromosomes. The observed variant frequency is approximately 1050 fold of the estimated maximal expected allele frequency for a pathogenic variant in MET causing Papillary Renal Cell Carcinoma phenotype (1.5e-06), strongly suggesting that the variant is benign. To our knowledge, no occurrence of c.2638-7delC in individuals affected with Papillary Renal Cell Carcinoma and no experimental evidence demonstrating its impact on protein function have been reported. Six ClinVar submitters (evaluation after 2014) cite the variant as benign (n=2) and likely benign (n=4). Based on the evidence outlined above, the variant was classified as benign.

Genetic Services Laboratory, University of Chicago
Classification: Likely benign. Last evaluated: 2021-08-19. Review status: criteria provided, single submitter. Criteria: ACMG Guidelines, 2015. Collection method: clinical testing. Allele origin: germline. Affected: no.

Sema4
Classification: Benign for Hereditary cancer-predisposing syndrome. Last evaluated: 2020-08-06. Review status: criteria provided, single submitter. Criteria: Sema4 Curation Guidelines. Collection method: curation. Allele origin: germline.

GeneDx
Classification: Likely benign. Last evaluated: 2017-11-02. Review status: criteria provided, single submitter. Criteria: GeneDx Variant Classification (06012015). Collection method: clinical testing. Allele origin: germline. Affected: yes.
Comment: This variant is considered likely benign or benign based on one or more of the following criteria: it is a conservative change, it occurs at a poorly conserved position in the protein, it is predicted to be benign by multiple in silico algorithms, and/or has population frequency not consistent with disease.

Eurofins Ntd Llc (ga)
Classification: Uncertain significance. Last evaluated: 2014-10-28. Review status: criteria provided, single submitter. Criteria: EGL Classification Definitions 2015. Collection method: clinical testing. Allele origin: germline. Observed: 2 variant alleles, 2 heterozygotes.

NM_000245.4(MET):c.2584-7del

Gene: MET (MET proto-oncogene, receptor tyrosine kinase; plus strand). Cytogenetic location: 7q31.2.
Variant type: Deletion.
Coding change: c.2584-7del on transcript NM_000245.4 (MANE Select); 7 bases into the intron before coding-DNA position 2584, one base deleted (C; older notation c.2584-7delC).
Molecular consequence: intron variant.
Genome position (GRCh38, 1-based): chr7:116,769,638, C deleted; the last of 2 consecutive C bases (chr7:116,769,637-116,769,638); deleting either gives the same sequence. VCF-style (leftmost placement, unchanged base first): chr7-116769636-TC-T. GRCh37 (hg19) VCF-style: chr7-116409690-TC-T.
Other names: p.?; c.2638-7delC (NM_001127500.3, NM_001127500.2, NM_001127500.1); c.2638-8delC (NM_001127500.1); c.2638-7del (NM_001127500.3); c.1294-7del (NM_001324402.2); c.2584-7del (NM_001324401.3).
Identifiers: ClinVar variation 194024 (VCV000194024.37), dbSNP rs587780736, ClinGen allele CA239805.
Genomic context (GRCh38, chr7:116,769,636, plus strand): 5'-TTTGCCATTGTTAGCATTCCTGCAGAACTGTGAAGTGTTAACAACCTTTTTTTTTTTTTT[TC>T]CTTTCAGGGAAATGATATTGACCCTGAAGCAGTTAAAGGTGAAGTGTTAAAAGTTGGAAA-3'